The following is an entry in ClinVar:

NM_004006.3(DMD):c.938C>T (p.Thr313Ile)

Gene: DMD (dystrophin; minus strand). Cytogenetic location: Xp21.1.
Variant type: single nucleotide variant.
Coding change: c.938C>T on transcript NM_004006.3 (MANE Select); coding-DNA position 938, C replaced by T.
Protein change: p.Thr313Ile; replaces threonine 313 with isoleucine.
Molecular consequence: missense variant.
Genome position (GRCh38, 1-based): chrX:32,697,892, G>A on the plus strand (C>T on the coding strand, the complement: DMD is on the minus strand). VCF-style: chrX-32697892-G-A. GRCh37 (hg19) VCF-style: chrX-32716009-G-A.
Other names: c.914C>T, p.Thr305Ile (NM_000109.4); c.926C>T, p.Thr309Ile (NM_004009.3); c.569C>T, p.Thr190Ile (NM_004010.3); short protein forms T313I, T309I, T305I, T190I.
Identifiers: ClinVar variation 455946 (VCV000455946.13), dbSNP rs201799335, ClinGen allele CA10380025.

ClinVar aggregate classification (germline): Likely benign. Review status: criteria provided, multiple submitters, no conflicts (2 of 4 stars). 4 submissions from 4 submitters: Likely benign (3). 1 of the submissions does not count toward it. Last evaluated 2026-01-26.

Conditions:
Duchenne muscular dystrophy (DMD). Also called: MUSCULAR DYSTROPHY, PSEUDOHYPERTROPHIC PROGRESSIVE, DUCHENNE TYPE; Duchenne Muscular Dystrophy (DMD). Identifiers: Orphanet 98896, MedGen C0013264, MONDO:0010679, OMIM 310200.
Cardiovascular phenotype. Identifiers: MedGen CN230736.
Cardiomyopathy (CMYO). Also called: Cardiomyopathies. Identifiers: Orphanet 167848, MedGen C0878544, MONDO:0004994, HP:0001638. Inheritance: Various modes of inheritance.
Becker muscular dystrophy (BMD). Also called: MUSCULAR DYSTROPHY, PSEUDOHYPERTROPHIC PROGRESSIVE, BECKER TYPE; Becker Muscular Dystrophy (BMD). Identifiers: Orphanet 98895, MedGen C0917713, MONDO:0010311, OMIM 300376.
Dystrophin deficiency.

Allele frequency attached by ClinVar (database versions not stated): gnomAD 0.00006 and 0.00007; TOPMed 0.00008; ESP Exome Variant Server 0.00019; gnomAD exomes 0.00001 and 0.00002; ExAC 0.00004.
gnomAD v4.1: 16 of 1,208,428 alleles (0.0013%); highest among the groups gnomAD compares: African/African-American, 0.026%; no homozygotes.

Submissions (4):

Labcorp Genetics (formerly Invitae), Labcorp
Classification: Likely benign for Duchenne muscular dystrophy. Last evaluated: 2026-01-26. Review status: criteria provided, single submitter. Criteria: Invitae Variant Classification Sherloc (09022015). Collection method: clinical testing. Allele origin: germline.

Molecular Diagnostic Laboratory for Inherited Cardiovascular Disease, Montreal Heart Institute
Classification: Likely benign. Last evaluated: 2025-07-24. Review status: criteria provided, single submitter. Criteria: ACMG Guidelines, 2015. Collection method: clinical testing. Allele origin: germline. Affected: no.
Comment: BS1;BP4

Ambry Genetics
Classification: Likely benign for Cardiovascular phenotype. Last evaluated: 2024-12-12. Review status: criteria provided, single submitter. Criteria: Ambry Variant Classification Scheme 2023. Collection method: clinical testing. Allele origin: germline.

Natera, Inc.
Classification: Uncertain significance for Becker muscular dystrophy; Cardiomyopathy; Duchenne muscular dystrophy; Dystrophin deficiency. Last evaluated: 2018-11-28. Review status: no assertion criteria provided. Collection method: clinical testing. Allele origin: germline. Not counted in ClinVar's aggregate classification.